The following is an entry in ClinVar:

NM_007199.3(IRAK3):c.812T>G (p.Leu271Ter)

Gene: IRAK3 (interleukin 1 receptor associated kinase 3; plus strand). Cytogenetic location: 12q14.3.
Variant type: single nucleotide variant.
Coding change: c.812T>G on transcript NM_007199.3 (MANE Select); coding-DNA position 812, T replaced by G.
Protein change: p.Leu271Ter; replaces leucine 271 with a stop codon.
Molecular consequence: nonsense.
Genome position (GRCh38, 1-based): chr12:66,228,295, T>G. VCF-style: chr12-66228295-T-G. GRCh37 (hg19) VCF-style: chr12-66622075-T-G.
Other names: c.629T>G, p.Leu210Ter (NM_001142523.2); short protein forms L210*, L271*.
Identifiers: ClinVar variation 5021041 (VCV005021041.1).

ClinVar aggregate classification (germline): Uncertain significance (1 of 4 stars; one submission).

Submission:

Dasa
Classification: Uncertain significance. Last evaluated: 2024-11-19. Review status: criteria provided, single submitter. Criteria: DASA Assertion Criteria. Collection method: clinical testing. Allele origin: germline.
Comment: NM_007199.3(IRAK3):c.812T>G (p.Leu271*) is a nonsense variant in IRAK3 predicted to introduce a premature termination codon. This variant is absent from population databases. The currently available literature and clinical evidence are not sufficient to establish a definitive association between this variant and the reported condition. Therefore, this variant is classified as a variant of uncertain significance.